The following is an entry in ClinVar:

ClinVar aggregate classification (germline): Uncertain significance. Review status: criteria provided, single submitter (1 of 4 stars). 2 submissions from 2 submitters: Uncertain significance (1). 1 of the submissions does not count toward it. Last evaluated 2021-09-01.

Conditions:
Bloom syndrome (BLM). Also called: Bloom-Torre-Machacek syndrome. Identifiers: Orphanet 125, MedGen C0005859, MONDO:0008876, OMIM 210900.

Submissions (2):

Labcorp Genetics (formerly Invitae), Labcorp
Classification: Uncertain significance for Bloom syndrome. Last evaluated: 2021-09-01. Review status: criteria provided, single submitter. Criteria: Invitae Variant Classification Sherloc (09022015). Collection method: clinical testing. Allele origin: germline.
Comment: This sequence change replaces isoleucine with methionine at codon 1367 of the BLM protein (p.Ile1367Met). The isoleucine residue is weakly conserved and there is a small physicochemical difference between isoleucine and methionine. This variant is not present in population databases (ExAC no frequency). This variant has not been reported in the literature in individuals affected with BLM-related conditions. Algorithms developed to predict the effect of missense changes on protein structure and function output the following: SIFT: "Tolerated"; PolyPhen-2: "Benign"; Align-GVGD: "Class C0". The methionine amino acid residue is found in multiple mammalian species, which suggests that this missense change does not adversely affect protein function. In summary, the available evidence is currently insufficient to determine the role of this variant in disease. Therefore, it has been classified as a Variant of Uncertain Significance.

Natera, Inc.
Classification: Uncertain significance for Bloom syndrome. Last evaluated: 2025-04-03. Review status: no assertion criteria provided. Collection method: clinical testing. Allele origin: germline. Not counted in ClinVar's aggregate classification.

NM_000057.4(BLM):c.4101A>G (p.Ile1367Met)

Gene: BLM (BLM RecQ like helicase; plus strand). Cytogenetic location: 15q26.1.
Variant type: single nucleotide variant.
Coding change: c.4101A>G on transcript NM_000057.4 (MANE Select); coding-DNA position 4101, A replaced by G.
Protein change: p.Ile1367Met; replaces isoleucine 1367 with methionine.
Molecular consequence: missense variant.
Genome position (GRCh38, 1-based): chr15:90,815,126, A>G. VCF-style: chr15-90815126-A-G. GRCh37 (hg19) VCF-style: chr15-91358356-A-G.
Other names: c.4101A>G, p.Ile1367Met (NM_001287246.2); c.3708A>G, p.Ile1236Met (NM_001287247.2); c.2976A>G, p.Ile992Met (NM_001287248.2); c.4101A>G (NM_000057.3); short protein forms I1236M, I1367M, I992M.
Identifiers: ClinVar variation 1017895 (VCV001017895.7), dbSNP rs1897525152, ClinGen allele CA393852118.